The following is an entry in ClinVar:

NM_001385079.1(PDE10A):c.3091G>A (p.Val1031Met)

Gene: PDE10A (phosphodiesterase 10A; minus strand). Cytogenetic location: 6q27.
Variant type: single nucleotide variant.
Coding change: c.3091G>A on transcript NM_001385079.1 (MANE Select); coding-DNA position 3091, G replaced by A.
Protein change: p.Val1031Met; replaces valine 1031 with methionine.
Molecular consequence: missense variant.
Genome position (GRCh38, 1-based): chr6:165,333,102, C>T on the plus strand (G>A on the coding strand, the complement: PDE10A is on the minus strand). VCF-style: chr6-165333102-C-T. GRCh37 (hg19) VCF-style: chr6-165746591-C-T.
Other names: c.2293G>A, p.Val765Met (NM_001130690.3); c.2263G>A, p.Val755Met (NM_006661.4); short protein forms V765M, V1031M, V755M.
Identifiers: ClinVar variation 2695338 (VCV002695338.3), dbSNP rs2483612331, ClinGen allele CA366386925.

ClinVar aggregate classification (germline): Uncertain significance (1 of 4 stars; one submission).

Submission:

Labcorp Genetics (formerly Invitae), Labcorp
Classification: Uncertain significance. Last evaluated: 2023-11-27. Review status: criteria provided, single submitter. Criteria: Invitae Variant Classification Sherloc (09022015). Collection method: clinical testing. Allele origin: germline.
Comment: This sequence change replaces valine, which is neutral and non-polar, with methionine, which is neutral and non-polar, at codon 765 of the PDE10A protein (p.Val765Met). This variant is not present in population databases (gnomAD no frequency). This variant has not been reported in the literature in individuals affected with PDE10A-related conditions. Advanced modeling of protein sequence and biophysical properties (such as structural, functional, and spatial information, amino acid conservation, physicochemical variation, residue mobility, and thermodynamic stability) performed at Invitae indicates that this missense variant is not expected to disrupt PDE10A protein function with a negative predictive value of 80%. In summary, the available evidence is currently insufficient to determine the role of this variant in disease. Therefore, it has been classified as a Variant of Uncertain Significance.